The following is an entry in ClinVar:

ClinVar aggregate classification (germline): Likely benign (1 of 4 stars; one submission).

Allele frequency attached by ClinVar (database versions not stated): gnomAD 0.00002 and 0.00003; TOPMed 0.00003; gnomAD exomes 0.00004; ESP Exome Variant Server 0.00008; ExAC 0.00014.
gnomAD v4.1: 53 of 1,573,724 alleles (0.0034%); highest among the groups gnomAD compares: Non-Finnish European, 0.0045%; no homozygotes.

Submission:

CeGaT Center for Human Genetics Tuebingen
Classification: Likely benign. Last evaluated: 2022-07-01. Review status: criteria provided, single submitter. Criteria: CeGaT Center For Human Genetics Tuebingen Variant Classification Criteria Version 2. Collection method: clinical testing. Allele origin: germline. Affected: yes. Observed: 1 variant allele.
Comment: PLD6: BP4, BP7

NM_178836.4(PLD6):c.378C>T (p.Cys126=)

Gene: PLD6 (phospholipase D family member 6; minus strand). Cytogenetic location: 17p11.2.
Variant type: single nucleotide variant.
Coding change: c.378C>T on transcript NM_178836.4 (MANE Select); coding-DNA position 378, C replaced by T.
Protein change: p.Cys126=; no amino-acid change (cysteine 126 retained).
Molecular consequence: synonymous variant.
Genome position (GRCh38, 1-based): chr17:17,205,909, G>A on the plus strand (C>T on the coding strand, the complement: PLD6 is on the minus strand). VCF-style: chr17-17205909-G-A. GRCh37 (hg19) VCF-style: chr17-17109223-G-A.
Identifiers: ClinVar variation 1701311 (VCV001701311.31), dbSNP rs367720472, ClinGen allele CA8415816.
Genomic context (GRCh38, chr17:17,205,909, plus strand): 5'-GCCGGGCCTACCTGCCTTGCGCAGCAGACCGATTTGCGAGCCGTTGAGGGCCATGTAGTC[G>A]CAGTCGGTGACGACCCGCACTCGCACCCCACGCTGGTGCAGCAACTGCACGGCGCGGCCC-3'
Protein context (NP_849158.2, residues 116-136): RGVRVRVVTD[Cys126=]DYMALNGSQI